The following is an entry in ClinVar:

NM_001253697.2(ERBIN):c.1396G>A (p.Glu466Lys)

Gene: ERBIN (erbb2 interacting protein; plus strand). Cytogenetic location: 5q12.3.
Variant type: single nucleotide variant.
Coding change: c.1396G>A on transcript NM_001253697.2 (MANE Select); coding-DNA position 1396, G replaced by A.
Protein change: p.Glu466Lys; replaces glutamic acid 466 with lysine.
Molecular consequence: missense variant.
Genome position (GRCh38, 1-based): chr5:66,043,166, G>A. VCF-style: chr5-66043166-G-A. GRCh37 (hg19) VCF-style: chr5-65338994-G-A.
Other names: c.1396G>A, p.Glu466Lys (NM_001006600.3, NM_001253698.2, NM_001253699.2 and 2 more transcripts); short protein forms E466K.
Identifiers: ClinVar variation 2780057 (VCV002780057.3), dbSNP rs1449715383, ClinGen allele CA359976379.
Genomic context (GRCh38, chr5:66,043,166, plus strand): 5'-AACCCTTCATTGTGGGAGGAACAGAGGAAACAGCGGGCTCAAGTTGCATTTGAATGTGAT[G>A]AAGACAAAGATGAAAGGGAGGCACCTCCCAGGGTGAGTCTGTTCTTTATTCTTTAAAATT-3'
Protein context (NP_001240626.1, residues 456-476): QRAQVAFECD[Glu466Lys]DKDEREAPPR

ClinVar aggregate classification (germline): Uncertain significance (1 of 4 stars; one submission).

Submission:

Labcorp Genetics (formerly Invitae), Labcorp
Classification: Uncertain significance. Last evaluated: 2023-12-18. Review status: criteria provided, single submitter. Criteria: Invitae Variant Classification Sherloc (09022015). Collection method: clinical testing. Allele origin: germline.
Comment: This sequence change replaces glutamic acid, which is acidic and polar, with lysine, which is basic and polar, at codon 466 of the ERBIN protein (p.Glu466Lys). This variant is present in population databases (no rsID available, gnomAD 0.0009%). This missense change has been observed in individual(s) with clinical features of ERBIN-related conditions (PMID: 28191889). An algorithm developed to predict the effect of missense changes on protein structure and function (PolyPhen-2) suggests that this variant is likely to be disruptive. In summary, the available evidence is currently insufficient to determine the role of this variant in disease. Therefore, it has been classified as a Variant of Uncertain Significance.

Literature cited by the submitters: PubMed 28191889.